The following is an entry in ClinVar:

NM_173491.4(LSM11):c.510T>C (p.Asn170=)

Gene: LSM11 (LSM11, U7 small nuclear RNA associated; plus strand). Cytogenetic location: 5q33.3.
Variant type: single nucleotide variant.
Coding change: c.510T>C on transcript NM_173491.4 (MANE Select); coding-DNA position 510, T replaced by C.
Protein change: p.Asn170=; no amino-acid change (asparagine 170 retained).
Molecular consequence: synonymous variant.
Genome position (GRCh38, 1-based): chr5:157,751,451, T>C. VCF-style: chr5-157751451-T-C. GRCh37 (hg19) VCF-style: chr5-157178459-T-C.
Identifiers: ClinVar variation 3771776 (VCV003771776.13).

ClinVar aggregate classification (germline): Likely benign (1 of 4 stars; one submission).

gnomAD v4.1: 115 of 1,612,562 alleles (0.0071%); highest among the groups gnomAD compares: Non-Finnish European, 0.009%; no homozygotes.

Submission:

CeGaT Center for Human Genetics Tuebingen
Classification: Likely benign. Last evaluated: 2025-01-01. Review status: criteria provided, single submitter. Criteria: CeGaT Center For Human Genetics Tuebingen Variant Classification Criteria Version 2. Collection method: clinical testing. Allele origin: germline. Affected: yes. Observed: 1 variant allele.
Comment: LSM11: BP4, BP7